The following is an entry in ClinVar:

NM_001291303.3(FAT4):c.386A>G (p.Asn129Ser)

Gene: FAT4 (FAT atypical cadherin 4; plus strand). Cytogenetic location: 4q28.1.
Variant type: single nucleotide variant.
Coding change: c.386A>G on transcript NM_001291303.3 (MANE Select); coding-DNA position 386, A replaced by G.
Protein change: p.Asn129Ser; replaces asparagine 129 with serine.
Molecular consequence: missense variant.
Genome position (GRCh38, 1-based): chr4:125,316,797, A>G. VCF-style: chr4-125316797-A-G. GRCh37 (hg19) VCF-style: chr4-126237952-A-G.
Other names: c.386A>G, p.Asn129Ser (NM_001291285.3, NM_024582.6); short protein forms N129S.
Identifiers: ClinVar variation 1416677 (VCV001416677.4), dbSNP rs754070949, ClinGen allele CA3071800.

ClinVar aggregate classification (germline): Uncertain significance (1 of 4 stars; one submission).

Allele frequency attached by ClinVar (database versions not stated): ExAC 0.00001.

Submission:

Labcorp Genetics (formerly Invitae), Labcorp
Classification: Uncertain significance. Last evaluated: 2023-12-07. Review status: criteria provided, single submitter. Criteria: Invitae Variant Classification Sherloc (09022015). Collection method: clinical testing. Allele origin: germline.
Comment: This sequence change replaces asparagine, which is neutral and polar, with serine, which is neutral and polar, at codon 129 of the FAT4 protein (p.Asn129Ser). This variant is not present in population databases (gnomAD no frequency). This variant has not been reported in the literature in individuals affected with FAT4-related conditions. ClinVar contains an entry for this variant (Variation ID: 1416677). Advanced modeling of protein sequence and biophysical properties (such as structural, functional, and spatial information, amino acid conservation, physicochemical variation, residue mobility, and thermodynamic stability) performed at Invitae indicates that this missense variant is not expected to disrupt FAT4 protein function with a negative predictive value of 80%. In summary, the available evidence is currently insufficient to determine the role of this variant in disease. Therefore, it has been classified as a Variant of Uncertain Significance.